The following is an entry in ClinVar:

NM_000548.5(TSC2):c.5323A>G (p.Lys1775Glu)

Gene: TSC2 (TSC complex subunit 2; plus strand). Cytogenetic location: 16p13.3.
Variant type: single nucleotide variant.
Coding change: c.5323A>G on transcript NM_000548.5 (MANE Select); coding-DNA position 5323, A replaced by G.
Protein change: p.Lys1775Glu; replaces lysine 1775 with glutamic acid.
Molecular consequence: missense variant. On other transcripts: non-coding transcript variant (5).
Genome position (GRCh38, 1-based): chr16:2,088,509, A>G. VCF-style: chr16-2088509-A-G. GRCh37 (hg19) VCF-style: chr16-2138510-A-G.
Other names: c.5212A>G, p.Lys1738Glu (NM_001406668.1); c.5143A>G, p.Lys1715Glu (NM_001406670.1); c.5113A>G, p.Lys1705Glu (NM_001406671.1); c.5110A>G, p.Lys1704Glu (NM_001406673.1); c.5107A>G, p.Lys1703Glu (NM_001406675.1); c.5104A>G, p.Lys1702Glu (NM_001406676.1); c.5065A>G, p.Lys1689Glu (NM_001406677.1); c.5011A>G, p.Lys1671Glu (NM_001406678.1); and 27 more; short protein forms K1671E, K1689E, K1709E, K1715E, K1728E, K1774E, K1260E, K1261E.
Identifiers: ClinVar variation 5031358 (VCV005031358.1).
Genomic context (GRCh38, chr16:2,088,509, plus strand): 5'-TGCGAGGAAGCCGCCTACTCCAACCCCAGCCTACCTCTGGTGCACCCTCCGTCCCATAGC[A>G]AAGCCCCTGCACAGACTCCAGCCGAGCCCACACCTGGCTATGAGGTGGGCCAGCGGAAGC-3'
Protein context (NP_000539.2, residues 1765-1785): LPLVHPPSHS[Lys1775Glu]APAQTPAEPT

ClinVar aggregate classification (germline): Uncertain significance (1 of 4 stars; one submission).

Conditions:
Hereditary cancer-predisposing syndrome. Also called: Neoplastic Syndromes, Hereditary; Tumor predisposition; Hereditary neoplastic syndrome; Hereditary Cancer Syndrome. Identifiers: Orphanet 140162, MedGen C0027672, MeSH D009386, MONDO:0015356.

Submission:

Ambry Genetics
Classification: Uncertain significance for Hereditary cancer-predisposing syndrome. Last evaluated: 2026-07-11. Review status: criteria provided, single submitter. Criteria: Ambry Variant Classification Scheme 2023. Collection method: clinical testing. Allele origin: germline.
Comment: The p.K1775E variant (also known as c.5323A>G), located in coding exon 41 of the TSC2 gene, results from an A to G substitution at nucleotide position 5323. The lysine at codon 1775 is replaced by glutamic acid, an amino acid with similar properties. This amino acid position is conserved. In addition, the in silico prediction for this alteration is inconclusive. Based on the available evidence, the clinical significance of this variant remains unclear.